The following is an entry in ClinVar:

NM_001134363.3(RBM20):c.3478G>A (p.Gly1160Ser)

Gene: RBM20 (RNA binding motif protein 20; plus strand). Cytogenetic location: 10q25.2.
Variant type: single nucleotide variant.
Coding change: c.3478G>A on transcript NM_001134363.3 (MANE Select); coding-DNA position 3478, G replaced by A.
Protein change: p.Gly1160Ser; replaces glycine 1160 with serine.
Molecular consequence: missense variant.
Genome position (GRCh38, 1-based): chr10:110,831,087, G>A. VCF-style: chr10-110831087-G-A. GRCh37 (hg19) VCF-style: chr10-112590845-G-A.
Other names: c.3478G>A (NM_001134363.2, LRG_382t1); short protein forms G1160S.
Identifiers: ClinVar variation 634813 (VCV000634813.19), dbSNP rs374611807, ClinGen allele CA5688791.

ClinVar aggregate classification (germline): Uncertain significance. Review status: criteria provided, multiple submitters, no conflicts (2 of 4 stars). 9 submissions from 9 submitters: Uncertain significance (7). 2 of the submissions do not count toward it. Last evaluated 2026-04-10.

Conditions:
Cardiovascular phenotype. Identifiers: MedGen CN230736.
Dilated cardiomyopathy 1DD (CMD1DD). Identifiers: Orphanet 154, MedGen C2750995, MONDO:0013168, OMIM 613172.

Allele frequency attached by ClinVar (database versions not stated): gnomAD exomes 0.00001 and 0.00004; TOPMed 0.00004; ExAC 0.00005; gnomAD 0.00005 and 0.00006; ESP Exome Variant Server 0.00022.
gnomAD v4.1: 61 of 1,551,352 alleles (0.0039%); highest among the groups gnomAD compares: Non-Finnish European, 0.0051%; no homozygotes.

Submissions (9):

Women's Health and Genetics/Laboratory Corporation of America, LabCorp
Classification: Uncertain significance. Last evaluated: 2026-04-10. Review status: criteria provided, single submitter. Criteria: LabCorp Variant Classification Summary - May 2015. Collection method: clinical testing. Allele origin: germline.
Comment: Variant summary: RBM20 c.3478G>A (p.Gly1160Ser) results in a non-conservative amino acid change in the encoded protein sequence. Algorithms developed to predict the effect of missense changes on protein structure and function all suggest that this variant is likely to be disruptive. The variant allele was found at a frequency of 1.3e-05 in 153868 control chromosomes. The available data on variant occurrences in the general population are insufficient to allow any conclusion about variant significance. To our knowledge, no occurrence of c.3478G>A in individuals affected with RBM20-related conditions and no experimental evidence demonstrating its impact on protein function have been reported. ClinVar contains an entry for this variant (Variation ID: 634813). Based on the evidence outlined above, the variant was classified as uncertain significance.

Ambry Genetics
Classification: Uncertain significance for Cardiovascular phenotype. Last evaluated: 2025-05-16. Review status: criteria provided, single submitter. Criteria: Ambry Variant Classification Scheme 2023. Collection method: clinical testing. Allele origin: germline.
Comment: The p.G1160S variant (also known as c.3478G>A), located in coding exon 13 of the RBM20 gene, results from a G to A substitution at nucleotide position 3478. The glycine at codon 1160 is replaced by serine, an amino acid with similar properties. This amino acid position is conserved. In addition, this alteration is predicted to be deleterious by in silico analysis. Since supporting evidence is limited at this time, the clinical significance of this alteration remains unclear.

Molecular Diagnostic Laboratory for Inherited Cardiovascular Disease, Montreal Heart Institute
Classification: Uncertain significance for Cardiovascular phenotype. Last evaluated: 2025-04-09. Review status: criteria provided, single submitter. Criteria: ACMG Guidelines, 2015. Collection method: clinical testing. Allele origin: germline. Affected: yes.
Comment: PM2, PP3

Labcorp Genetics (formerly Invitae), Labcorp
Classification: Uncertain significance for Dilated cardiomyopathy 1DD. Last evaluated: 2024-05-14. Review status: criteria provided, single submitter. Criteria: Invitae Variant Classification Sherloc (09022015). Collection method: clinical testing. Allele origin: germline.
Comment: This sequence change replaces glycine, which is neutral and non-polar, with serine, which is neutral and polar, at codon 1160 of the RBM20 protein (p.Gly1160Ser). This variant is present in population databases (rs374611807, gnomAD 0.007%). This variant has not been reported in the literature in individuals affected with RBM20-related conditions. ClinVar contains an entry for this variant (Variation ID: 634813). Advanced modeling of protein sequence and biophysical properties (such as structural, functional, and spatial information, amino acid conservation, physicochemical variation, residue mobility, and thermodynamic stability) has been performed at Invitae for this missense variant, however the output from this modeling did not meet the statistical confidence thresholds required to predict the impact of this variant on RBM20 protein function. In summary, the available evidence is currently insufficient to determine the role of this variant in disease. Therefore, it has been classified as a Variant of Uncertain Significance.

Blueprint Genetics
Classification: Uncertain significance. Last evaluated: 2024-03-25. Review status: criteria provided, single submitter. Criteria: ACMG Guidelines, 2015. Collection method: clinical testing. Allele origin: germline.

Clinical Genomics Laboratory, Stanford Medicine
Classification: Uncertain significance for Dilated cardiomyopathy 1DD. Last evaluated: 2022-12-02. Review status: criteria provided, single submitter. Criteria: ACMG Guidelines, 2015. Collection method: clinical testing. Allele origin: germline. Observed: 1 variant allele, 1 heterozygote.
Comment: The p.Gly1160Ser variant in the RBM20 gene has not been previously reported in association with disease. This variant has been identified in 5/74,998 European non-Finnish chromosomes (5/185,256 chromosomes overall) by the Genome Aggregation Database. This variant is present in ClinVar (Variation ID: 634813). Computational tools predict that the p.Gly1160Ser variant is deleterious; however, the accuracy of in silico algorithms is limited. These data were assessed using the ACMG/AMP variant interpretation guidelines. In summary, the significance of the p.Gly1160Ser variant is uncertain. Additional information is needed to resolve the significance of this variant. [ACMG evidence codes used: PM2; PP3]

Baylor-Hopkins Center for Mendelian Genomics, Johns Hopkins University School of Medicine
Classification: Uncertain significance for Dilated cardiomyopathy 1DD. Review status: criteria provided, single submitter. Criteria: ACMG Guidelines, 2015. Collection method: research. Allele origin: germline. Affected: yes. Observed: 2 variant alleles, 2 heterozygotes.

Diagnostic Laboratory, Department of Genetics, University Medical Center Groningen
Classification: Uncertain significance. Review status: no assertion criteria provided. Collection method: clinical testing. Allele origin: germline. Affected: yes. Study: VKGL Data-share Consensus. Not counted in ClinVar's aggregate classification.

Genome Diagnostics Laboratory, University Medical Center Utrecht
Classification: Uncertain significance. Review status: no assertion criteria provided. Collection method: clinical testing. Allele origin: germline. Affected: yes. Study: VKGL Data-share Consensus. Not counted in ClinVar's aggregate classification.